The following is an entry in ClinVar:

ClinVar aggregate classification (germline): Uncertain significance (1 of 4 stars; one submission).

Conditions:
Malignant hyperthermia, susceptibility to, 5 (MHS5). Also called: CACNA1S-Related Malignant Hyperthermia Susceptibility. Identifiers: Orphanet 423, MedGen C1866077, MONDO:0011163, OMIM 601887.

Submission:

All of Us Research Program, National Institutes of Health
Classification: Uncertain significance for Malignant hyperthermia, susceptibility to, 5. Last evaluated: 2024-02-22. Review status: criteria provided, single submitter. Criteria: ACMG Guidelines, 2015. Collection method: clinical testing. Allele origin: germline. Inheritance: Autosomal dominant inheritance. Observed: 1 variant allele, 1 heterozygote.
Comment: This missense variant replaces isoleucine with valine at codon 1149 of the CACNA1S protein. Computational prediction suggests that this variant may not impact protein structure and function (internally defined REVEL score threshold <= 0.5, PMID: 27666373). To our knowledge, functional studies have not been reported for this variant. This variant has not been reported in individuals affected with CACNA1S-related disorders in the literature. This variant has not been identified in the general population by the Genome Aggregation Database (gnomAD). The available evidence is insufficient to determine the role of this variant in disease conclusively. Therefore, this variant is classified as a Variant of Uncertain Significance.

This study involves interpretation of variants in research participants for the purpose of population health screening. Participant phenotype was not available at the time of variant classification. Additional details can be found in publication PMID: 35346344, PMCID: PMC8962531

NM_000069.3(CACNA1S):c.3445A>G (p.Ile1149Val)

Gene: CACNA1S (calcium voltage-gated channel subunit alpha1 S; minus strand). Cytogenetic location: 1q32.1.
Variant type: single nucleotide variant.
Coding change: c.3445A>G on transcript NM_000069.3 (MANE Select); coding-DNA position 3445, A replaced by G.
Protein change: p.Ile1149Val; replaces isoleucine 1149 with valine.
Molecular consequence: missense variant.
Genome position (GRCh38, 1-based): chr1:201,059,269, T>C on the plus strand (A>G on the coding strand, the complement: CACNA1S is on the minus strand). VCF-style: chr1-201059269-T-C. GRCh37 (hg19) VCF-style: chr1-201028397-T-C.
Other names: short protein forms I1149V.
Identifiers: ClinVar variation 3386325 (VCV003386325.1).